The following is an entry in ClinVar:

ClinVar aggregate classification (germline): Conflicting classifications of pathogenicity. Review status: criteria provided, conflicting classifications (1 of 4 stars). 2 submissions from 2 submitters: Uncertain significance (1); Likely benign (1). Last evaluated 2024-06-26.

Conditions:
Isolated focal non-epidermolytic palmoplantar keratoderma. Also called: Palmoplantar keratoderma, nonepidermolytic, focal 2. Identifiers: Orphanet 448264, MedGen C4225339, MONDO:0014622, OMIM 616400.
Inborn genetic diseases. Identifiers: MedGen C0950123, MeSH D030342.

Allele frequency attached by ClinVar (database versions not stated): gnomAD 0.00001; TOPMed 0.00002; ExAC 0.00004; gnomAD exomes 0.00004.
gnomAD v4.1: 36 of 1,613,948 alleles (0.0022%); highest among the groups gnomAD compares: African/African-American, 0.0013%; no homozygotes.

Submissions (2):

Ambry Genetics
Classification: Uncertain significance for Inborn genetic diseases. Last evaluated: 2024-06-26. Review status: criteria provided, single submitter. Criteria: Ambry Variant Classification Scheme 2023. Collection method: clinical testing. Allele origin: germline.

Illumina Laboratory Services, Illumina
Classification: Likely benign for Isolated focal non-epidermolytic palmoplantar keratoderma. Last evaluated: 2018-03-06. Review status: criteria provided, single submitter. Criteria: ICSL Variant Classification Criteria 13 December 2019. Collection method: clinical testing. Allele origin: germline.
Comment: This variant was observed in the ICSL laboratory as part of a predisposition screen in an ostensibly healthy population. It had not been previously curated by ICSL or reported in the Human Gene Mutation Database (HGMD: prior to June 1st, 2018), and was therefore a candidate for classification through an automated scoring system. Utilizing variant allele frequency, disease prevalence and penetrance estimates, and inheritance mode, an automated score was calculated to assess if this variant is too frequent to cause the disease. Based on the score and internal cut-off values, a variant classified as likely benign is not then subjected to further curation. The score for this variant resulted in a classification of likely benign for this disease.

NM_145068.4(TRPV3):c.380T>C (p.Val127Ala)

Gene: TRPV3 (transient receptor potential cation channel subfamily V member 3; minus strand). Cytogenetic location: 17p13.2.
Variant type: single nucleotide variant.
Coding change: c.380T>C on transcript NM_145068.4 (MANE Select); coding-DNA position 380, T replaced by C.
Protein change: p.Val127Ala; replaces valine 127 with alanine.
Molecular consequence: missense variant.
Genome position (GRCh38, 1-based): chr17:3,543,560, A>G on the plus strand (T>C on the coding strand, the complement: TRPV3 is on the minus strand). VCF-style: chr17-3543560-A-G. GRCh37 (hg19) VCF-style: chr17-3446854-A-G.
Other names: c.380T>C, p.Val127Ala (NM_001258205.2); c.380T>C (NM_145068.2); short protein forms V127A.
Identifiers: ClinVar variation 889631 (VCV000889631.5), dbSNP rs781225444, ClinGen allele CA8289869.
Genomic context (GRCh38, chr17:3,543,560, plus strand): 5'-CTGCAAAGCTCCTGCAGCTCCACCAGCAACTCTACCAACTCCTCCACGCAGCCCTCAGAC[A>G]CGGCTGCAAAGATGCGCTTCTTCAGCCGCCTCTTTTTCCTCCTCTGCTCTTCCTTGGCCA-3'
Protein context (NP_659505.1, residues 117-137): RRLKKRIFAA[Val127Ala]SEGCVEELVE